The following is an entry in ClinVar:

ClinVar aggregate classification (germline): Uncertain significance (1 of 4 stars; one submission).

Allele frequency attached by ClinVar (database versions not stated): TOPMed below 0.00001.

Submission:

Labcorp Genetics (formerly Invitae), Labcorp
Classification: Uncertain significance. Last evaluated: 2020-08-31. Review status: criteria provided, single submitter. Criteria: Invitae Variant Classification Sherloc (09022015). Collection method: clinical testing. Allele origin: germline.
Comment: This sequence change replaces methionine with valine at codon 1031 of the MTOR protein (p.Met1031Val). The methionine residue is moderately conserved and there is a small physicochemical difference between methionine and valine. This variant is not present in population databases (ExAC no frequency). This variant has not been reported in the literature in individuals with MTOR-related conditions. Algorithms developed to predict the effect of missense changes on protein structure and function (SIFT, PolyPhen-2, Align-GVGD) all suggest that this variant is likely to be tolerated, but these predictions have not been confirmed by published functional studies and their clinical significance is uncertain. In summary, the available evidence is currently insufficient to determine the role of this variant in disease. Therefore, it has been classified as a Variant of Uncertain Significance.

NM_004958.4(MTOR):c.3091A>G (p.Met1031Val)

Gene: MTOR (mechanistic target of rapamycin kinase; minus strand). Cytogenetic location: 1p36.22.
Variant type: single nucleotide variant.
Coding change: c.3091A>G on transcript NM_004958.4 (MANE Select); coding-DNA position 3091, A replaced by G.
Protein change: p.Met1031Val; replaces methionine 1031 with valine.
Molecular consequence: missense variant.
Genome position (GRCh38, 1-based): chr1:11,216,174, T>C on the plus strand (A>G on the coding strand, the complement: MTOR is on the minus strand). VCF-style: chr1-11216174-T-C. GRCh37 (hg19) VCF-style: chr1-11276231-T-C.
Other names: short protein forms M1031V.
Identifiers: ClinVar variation 1003383 (VCV001003383.8), dbSNP rs1166391669, ClinGen allele CA338376557.